The following is an entry in ClinVar:

NM_152703.5(SAMD9L):c.3067G>A (p.Asp1023Asn)

Gene: SAMD9L (sterile alpha motif domain containing 9 like; minus strand). Cytogenetic location: 7q21.2.
Variant type: single nucleotide variant.
Coding change: c.3067G>A on transcript NM_152703.5 (MANE Select); coding-DNA position 3067, G replaced by A.
Protein change: p.Asp1023Asn; replaces aspartic acid 1023 with asparagine.
Molecular consequence: missense variant.
Genome position (GRCh38, 1-based): chr7:93,132,905, C>T on the plus strand (G>A on the coding strand, the complement: SAMD9L is on the minus strand). VCF-style: chr7-93132905-C-T. GRCh37 (hg19) VCF-style: chr7-92762218-C-T.
Other names: c.3067G>A, p.Asp1023Asn (NM_001350085.2, NM_001303496.3, NM_001303497.3 and 5 more transcripts); short protein forms D1023N.
Identifiers: ClinVar variation 4159282 (VCV004159282.1).

ClinVar aggregate classification (germline): Uncertain significance (1 of 4 stars; one submission).

Conditions:
Inborn genetic diseases. Identifiers: MedGen C0950123, MeSH D030342.

Submission:

Ambry Genetics
Classification: Uncertain significance for Inborn genetic diseases. Last evaluated: 2025-06-28. Review status: criteria provided, single submitter. Criteria: Ambry Variant Classification Scheme 2023. Collection method: clinical testing. Allele origin: germline.
Comment: The p.D1023N variant (also known as c.3067G>A), located in coding exon 1 of the SAMD9L gene, results from a G to A substitution at nucleotide position 3067. The aspartic acid at codon 1023 is replaced by asparagine, an amino acid with highly similar properties. This amino acid position is conserved. In addition, this alteration is predicted to be tolerated by in silico analysis. Based on the available evidence, the clinical significance of this variant remains unclear.